The following is an entry in ClinVar:

NM_020919.4(ALS2):c.4936-1G>C

Gene: ALS2 (alsin Rho guanine nucleotide exchange factor ALS2; minus strand). Cytogenetic location: 2q33.1.
Variant type: single nucleotide variant.
Coding change: c.4936-1G>C on transcript NM_020919.4 (MANE Select); the canonical splice acceptor site of the intron before coding-DNA position 4936, G replaced by C.
Molecular consequence: splice acceptor variant.
Genome position (GRCh38, 1-based): chr2:201,701,890, C>G on the plus strand (G>C on the coding strand, the complement: ALS2 is on the minus strand). VCF-style: chr2-201701890-C-G. GRCh37 (hg19) VCF-style: chr2-202566613-C-G.
Other names: c.4933-1G>C (NM_001410975.1).
Identifiers: ClinVar variation 2192831 (VCV002192831.4), dbSNP rs2469670109, ClinGen allele CA350320028.

ClinVar aggregate classification (germline): Uncertain significance (1 of 4 stars; one submission).

Conditions:
Infantile-onset ascending hereditary spastic paralysis (IAHSP). Also called: Autosomal Recessive Juvenile Amyotrophic Lateral Sclerosis; Infantile-Onset Ascending Hereditary Spastic Paralysis (IAHSP). Identifiers: Orphanet 293168, MedGen C2931441, MONDO:0011797, OMIM 607225. Disease mechanism: loss of function.

gnomAD v4.1: 1 of 1,613,548 alleles (0.000062%); no homozygotes.

Submission:

Labcorp Genetics (formerly Invitae), Labcorp
Classification: Uncertain significance for Infantile-onset ascending hereditary spastic paralysis. Last evaluated: 2025-01-27. Review status: criteria provided, single submitter. Criteria: Invitae Variant Classification Sherloc (09022015). Collection method: clinical testing. Allele origin: germline.
Comment: This sequence change affects an acceptor splice site in intron 33 of the ALS2 gene. While this variant is not anticipated to result in nonsense mediated decay, it likely alters RNA splicing and results in a disrupted protein product. This variant is not present in population databases (gnomAD no frequency). This variant has not been reported in the literature in individuals affected with ALS2-related conditions. ClinVar contains an entry for this variant (Variation ID: 2192831). Variants that disrupt the consensus splice site are a relatively common cause of aberrant splicing (PMID: 17576681, 9536098). Algorithms developed to predict the effect of sequence changes on RNA splicing suggest that this variant may disrupt the consensus splice site. In summary, the available evidence is currently insufficient to determine the role of this variant in disease. Therefore, it has been classified as a Variant of Uncertain Significance.

Literature cited by the submitters: PubMed 17576681; PubMed 9536098.